The following is an entry in ClinVar:

NM_025114.4(CEP290):c.7287T>A (p.Tyr2429Ter)

Genes: CEP290 (centrosomal protein 290; minus strand), RLIG1 (RNA 5'-phosphate and 3'-OH ligase 1; plus strand). Cytogenetic location: 12q21.32.
Variant type: single nucleotide variant.
Coding change: c.7287T>A on transcript NM_025114.4 (MANE Select); coding-DNA position 7287, T replaced by A.
Protein change: p.Tyr2429Ter; replaces tyrosine 2429 with a stop codon.
Molecular consequence: nonsense. On other transcripts: 3 prime UTR variant (1).
Genome position (GRCh38, 1-based): chr12:88,049,337, A>T on the plus strand (T>A on the coding strand, the complement: CEP290 is on the minus strand). VCF-style: chr12-88049337-A-T. GRCh37 (hg19) VCF-style: chr12-88443114-A-T.
Other names: c.*915A>T (NM_001009894.3); c.7287T>A (NM_025114.3); short protein forms Y2429*.
Identifiers: ClinVar variation 1071318 (VCV001071318.9), dbSNP rs775189201, ClinGen allele CA6711302.
Genomic context (GRCh38, chr12:88,049,337, plus strand): 5'-TGAAAGTTTTTTTACCTTCTCTTCTAAGAGAATATTCTTCTTCACTTCTTCCTTGTAATT[A>T]TACTTAAGATCTTCAATTTCTTCAAAAAATGAAGGATCAAAATTTTCCAGTTCTTTTTTC-3'

ClinVar aggregate classification (germline): Pathogenic/Likely pathogenic. Review status: criteria provided, multiple submitters, no conflicts (2 of 4 stars). 3 submissions from 3 submitters: Pathogenic (1); Likely pathogenic (2). Last evaluated 2025-06-27.

Conditions:
Joubert syndrome. Also called: Familial aplasia of the vermis; CEREBELLOPARENCHYMAL DISORDER IV; JOUBERT-BOLTSHAUSER SYNDROME. Identifiers: Orphanet 475, MedGen C5979921, MONDO:0018772.
Meckel-Gruber syndrome. Also called: Dysencephalia splachnocystica; DYSENCEPHALIA SPLANCHNOCYSTICA; GRUBER SYNDROME. Identifiers: Orphanet 564, MedGen C0265215, MONDO:0018921.
Nephronophthisis. Also called: Juvenile Nephronophthisis. Identifiers: Orphanet 655, MedGen C0687120, MONDO:0019005, HP:0000090.
Bardet-Biedl syndrome 14 (BBS14). Identifiers: Orphanet 110, MedGen C2673874, MONDO:0014442, OMIM 615991.
Leber congenital amaurosis (LCA). Also called: Leber's amaurosis. Identifiers: Orphanet 65, MedGen C0339527, MeSH D057130, MONDO:0018998.

Allele frequency attached by ClinVar (database versions not stated): gnomAD exomes 0.00001 and 0.00002; ExAC 0.00003.
gnomAD v4.1: 9 of 1,583,484 alleles (0.00057%); highest among the groups gnomAD compares: South Asian, 0.01%; no homozygotes.

Submissions (3):

Labcorp Genetics (formerly Invitae), Labcorp
Classification: Pathogenic for Joubert syndrome; Meckel-Gruber syndrome; Nephronophthisis. Last evaluated: 2025-06-27. Review status: criteria provided, single submitter. Criteria: Invitae Variant Classification Sherloc (09022015). Collection method: clinical testing. Allele origin: germline.
Comment: This sequence change creates a premature translational stop signal (p.Tyr2429*) in the CEP290 gene. While this is not anticipated to result in nonsense mediated decay, it is expected to disrupt the last 51 amino acid(s) of the CEP290 protein. This variant is present in population databases (rs775189201, gnomAD 0.01%). This variant has not been reported in the literature in individuals affected with CEP290-related conditions. ClinVar contains an entry for this variant (Variation ID: 1071318). This variant disrupts a region of the CEP290 protein in which other variant(s) (p.Leu2448Thrfs*) have been determined to be pathogenic (PMID: 16682973, 16909394, 29588463). This suggests that this is a clinically significant region of the protein, and that variants that disrupt it are likely to be disease-causing. For these reasons, this variant has been classified as Pathogenic.

Natera, Inc.
Classification: Likely pathogenic for Leber congenital amaurosis. Last evaluated: 2024-03-26. Review status: criteria provided, single submitter. Criteria: Natera Variant Classification Schema (03/2026). Collection method: clinical testing. Allele origin: germline.
Comment: The c.7287T>A variant in CEP290 is a nonsense variant predicted to introduce a stop codon at amino acid 2429. This variant is expected to result in nonsense mediated decay, truncation, or a dysfunctional protein product. This variant is rare in the general population with a frequency below the threshold expected for the associated phenotype(s). Given the available evidence, this variant is classified as Likely Pathogenic.

Baylor Genetics
Classification: Likely pathogenic for Bardet-Biedl syndrome 14. Last evaluated: 2023-09-17. Review status: criteria provided, single submitter. Criteria: ACMG Guidelines, 2015. Collection method: clinical testing. Allele origin: unknown.

Literature cited by the submitters: PubMed 16682973 (cited by Labcorp Genetics (formerly Invitae), Labcorp); PubMed 16909394 (cited by Labcorp Genetics (formerly Invitae), Labcorp); PubMed 29588463 (cited by Labcorp Genetics (formerly Invitae), Labcorp).